The following is an entry in ClinVar:

NM_004423.4(DVL3):c.659G>A (p.Arg220Gln)

Gene: DVL3 (dishevelled segment polarity protein 3; plus strand). Cytogenetic location: 3q27.1.
Variant type: single nucleotide variant.
Coding change: c.659G>A on transcript NM_004423.4 (MANE Select); coding-DNA position 659, G replaced by A.
Protein change: p.Arg220Gln; replaces arginine 220 with glutamine.
Molecular consequence: missense variant.
Genome position (GRCh38, 1-based): chr3:184,165,172, G>A. VCF-style: chr3-184165172-G-A. GRCh37 (hg19) VCF-style: chr3-183882960-G-A.
Other names: c.659G>A (NM_004423.3); short protein forms R220Q.
Identifiers: ClinVar variation 2964655 (VCV002964655.4), dbSNP rs369391885, ClinGen allele CA2727187.

ClinVar aggregate classification (germline): Uncertain significance. Review status: criteria provided, multiple submitters, no conflicts (2 of 4 stars). 2 submissions from 2 submitters: Uncertain significance (2). Last evaluated 2025-10-07.

Conditions:
Inborn genetic diseases. Identifiers: MedGen C0950123, MeSH D030342.

Allele frequency attached by ClinVar (database versions not stated): gnomAD 0.00001; gnomAD exomes 0.00001; TOPMed 0.00001; ExAC 0.00002; ESP Exome Variant Server 0.00008.
gnomAD v4.1: 10 of 1,604,368 alleles (0.00062%); highest among the groups gnomAD compares: Non-Finnish European, 0.00085%; no homozygotes.

Submissions (2):

Ambry Genetics
Classification: Uncertain significance for Inborn genetic diseases. Last evaluated: 2025-10-07. Review status: criteria provided, single submitter. Criteria: Ambry Variant Classification Scheme 2023. Collection method: clinical testing. Allele origin: germline.

Labcorp Genetics (formerly Invitae), Labcorp
Classification: Uncertain significance. Last evaluated: 2024-06-28. Review status: criteria provided, single submitter. Criteria: Invitae Variant Classification Sherloc (09022015). Collection method: clinical testing. Allele origin: germline.
Comment: This sequence change replaces arginine, which is basic and polar, with glutamine, which is neutral and polar, at codon 220 of the DVL3 protein (p.Arg220Gln). This variant is present in population databases (rs369391885, gnomAD 0.007%). This variant has not been reported in the literature in individuals affected with DVL3-related conditions. Advanced modeling of protein sequence and biophysical properties (such as structural, functional, and spatial information, amino acid conservation, physicochemical variation, residue mobility, and thermodynamic stability) performed at Invitae indicates that this missense variant is not expected to disrupt DVL3 protein function with a negative predictive value of 80%. In summary, the available evidence is currently insufficient to determine the role of this variant in disease. Therefore, it has been classified as a Variant of Uncertain Significance.